The following is an entry in ClinVar:

NM_173576.3(MKX):c.570G>T (p.Val190=)

Genes: MKX (mohawk homeobox; minus strand), LOC126860890 (CDK7 strongly-dependent group 2 enhancer GRCh37_chr10:28023032-28024231; plus strand). Cytogenetic location: 10p12.1.
Variant type: single nucleotide variant.
Coding change: c.570G>T on transcript NM_173576.3 (MANE Select); coding-DNA position 570, G replaced by T.
Protein change: p.Val190=; no amino-acid change (valine 190 retained).
Molecular consequence: synonymous variant.
Genome position (GRCh38, 1-based): chr10:27,734,724, C>A on the plus strand (G>T on the coding strand, the complement: MKX is on the minus strand). VCF-style: chr10-27734724-C-A. GRCh37 (hg19) VCF-style: chr10-28023653-C-A.
Other names: c.570G>T, p.Val190= (NM_001242702.2).
Identifiers: ClinVar variation 3033184 (VCV003033184.2), dbSNP rs2491942766, ClinGen allele CA468982044.

ClinVar aggregate classification (germline): Likely benign (0 of 4 stars; one submission).

Conditions:
MKX-related disorder. Also called: MKX-related condition.

gnomAD v4.1: 1 of 1,614,122 alleles (0.000062%); highest among the groups gnomAD compares: Admixed American, 0.0017%; no homozygotes.

Submission:

PreventionGenetics, part of Exact Sciences
Classification: Likely benign for MKX-related condition. Last evaluated: 2023-12-13. Review status: no assertion criteria provided. Collection method: clinical testing. Allele origin: germline.
Comment: This variant is classified as likely benign based on ACMG/AMP sequence variant interpretation guidelines (Richards et al. 2015 PMID: 25741868, with internal and published modifications).